The following is an entry in ClinVar:

NM_173630.4(RTTN):c.481C>T (p.Pro161Ser)

Gene: RTTN (rotatin; minus strand). Cytogenetic location: 18q22.2.
Variant type: single nucleotide variant.
Coding change: c.481C>T on transcript NM_173630.4 (MANE Select); coding-DNA position 481, C replaced by T.
Protein change: p.Pro161Ser; replaces proline 161 with serine.
Molecular consequence: missense variant. On other transcripts: 5 prime UTR variant (1).
Genome position (GRCh38, 1-based): chr18:70,201,900, G>A on the plus strand (C>T on the coding strand, the complement: RTTN is on the minus strand). VCF-style: chr18-70201900-G-A. GRCh37 (hg19) VCF-style: chr18-67869136-G-A.
Other names: c.-2073C>T (NM_001318520.2); short protein forms P161S.
Identifiers: ClinVar variation 2089636 (VCV002089636.4), dbSNP rs2513072645, ClinGen allele CA402700537.
Genomic context (GRCh38, chr18:70,201,900, plus strand): 5'-CATTAATTTTCAACTTCCCAAGTCAACAGGATTTACTTCCCGACATATACACACCCACTG[G>A]TCGTGGCGGCACTTCCATCTGCTGGAAATTACTTTTGTCTTGGGGAAAATATCCTGTTAA-3'
Protein context (NP_775901.3, residues 151-171): NFQQMEVPPR[Pro161Ser]VVNQTVKCLK

ClinVar aggregate classification (germline): Uncertain significance (1 of 4 stars; one submission).

gnomAD v4.1: 1 of 1,597,966 alleles (0.000063%); highest among the groups gnomAD compares: Non-Finnish European, 0.000086%; no homozygotes.

Submission:

Labcorp Genetics (formerly Invitae), Labcorp
Classification: Uncertain significance. Last evaluated: 2024-08-12. Review status: criteria provided, single submitter. Criteria: Invitae Variant Classification Sherloc (09022015). Collection method: clinical testing. Allele origin: germline.
Comment: This sequence change replaces proline, which is neutral and non-polar, with serine, which is neutral and polar, at codon 161 of the RTTN protein (p.Pro161Ser). This variant is not present in population databases (gnomAD no frequency). This variant has not been reported in the literature in individuals affected with RTTN-related conditions. ClinVar contains an entry for this variant (Variation ID: 2089636). Advanced modeling of protein sequence and biophysical properties (such as structural, functional, and spatial information, amino acid conservation, physicochemical variation, residue mobility, and thermodynamic stability) performed at Invitae indicates that this missense variant is not expected to disrupt RTTN protein function with a negative predictive value of 80%. In summary, the available evidence is currently insufficient to determine the role of this variant in disease. Therefore, it has been classified as a Variant of Uncertain Significance.